The following is an entry in ClinVar:

NM_198578.4(LRRK2):c.1166G>C (p.Gly389Ala)

Gene: LRRK2 (leucine rich repeat kinase 2; plus strand). Cytogenetic location: 12q12.
Variant type: single nucleotide variant.
Coding change: c.1166G>C on transcript NM_198578.4 (MANE Select); coding-DNA position 1166, G replaced by C.
Protein change: p.Gly389Ala; replaces glycine 389 with alanine.
Molecular consequence: missense variant.
Genome position (GRCh38, 1-based): chr12:40,251,529, G>C. VCF-style: chr12-40251529-G-C. GRCh37 (hg19) VCF-style: chr12-40645331-G-C.
Other names: short protein forms G389A.
Identifiers: ClinVar variation 1738319 (VCV001738319.2), dbSNP rs757025267, ClinGen allele CA6513304.

ClinVar aggregate classification (germline): Uncertain significance (1 of 4 stars; one submission).

Conditions:
Inborn genetic diseases. Identifiers: MedGen C0950123, MeSH D030342.

Allele frequency attached by ClinVar (database versions not stated): ExAC 0.00001; gnomAD exomes 0.00001.
gnomAD v4.1: 3 of 1,611,710 alleles (0.00019%); highest among the groups gnomAD compares: Admixed American, 0.005%; no homozygotes.

Submission:

Ambry Genetics
Classification: Uncertain significance for Inborn genetic diseases. Last evaluated: 2021-11-14. Review status: criteria provided, single submitter. Criteria: Ambry Variant Classification Scheme 2023. Collection method: clinical testing. Allele origin: germline.
Comment: The p.G389A variant (also known as c.1166G>C), located in coding exon 10 of the LRRK2 gene, results from a G to C substitution at nucleotide position 1166. The glycine at codon 389 is replaced by alanine, an amino acid with similar properties. This amino acid position is conserved. In addition, the in silico prediction for this alteration is inconclusive. Since supporting evidence is limited at this time, the clinical significance of this alteration remains unclear.